The following is an entry in ClinVar:

ClinVar aggregate classification (germline): Uncertain significance. Review status: criteria provided, multiple submitters, no conflicts (2 of 4 stars). 2 submissions from 2 submitters: Uncertain significance (2). Last evaluated 2024-12-02.

Conditions:
Progressive sclerosing poliodystrophy (MTDPS4A). Also called: ALPERS PROGRESSIVE INFANTILE POLIODYSTROPHY; NEURONAL DEGENERATION OF CHILDHOOD WITH LIVER DISEASE, PROGRESSIVE; Mitochondrial DNA depletion syndrome 4A (Alpers type); Alpers Syndrome; ALPERS DIFFUSE DEGENERATION OF CEREBRAL GRAY MATTER WITH HEPATIC CIRRHOSIS; Alpers-Huttenlocher Syndrome. Identifiers: Orphanet 726, MedGen C0205710, MONDO:0008758, OMIM 203700.

Submissions (2):

Athena Diagnostics
Classification: Uncertain significance. Last evaluated: 2024-12-02. Review status: criteria provided, single submitter. Criteria: Athena Diagnostics Criteria. Collection method: clinical testing. Allele origin: unknown.
Comment: Available data are insufficient to determine the clinical significance of the variant at this time. This variant has not been reported in large, multi-ethnic general populations. Polyphen and MutationTaster yielded discordant predictions regarding whether this amino acid change is damaging to the protein.

Labcorp Genetics (formerly Invitae), Labcorp
Classification: Uncertain significance for Progressive sclerosing poliodystrophy. Last evaluated: 2024-01-16. Review status: criteria provided, single submitter. Criteria: Invitae Variant Classification Sherloc (09022015). Collection method: clinical testing. Allele origin: germline.
Comment: This sequence change replaces glutamic acid, which is acidic and polar, with lysine, which is basic and polar, at codon 538 of the POLG protein (p.Glu538Lys). This variant is not present in population databases (gnomAD no frequency). This variant has not been reported in the literature in individuals affected with POLG-related conditions. Advanced modeling of protein sequence and biophysical properties (such as structural, functional, and spatial information, amino acid conservation, physicochemical variation, residue mobility, and thermodynamic stability) performed at Invitae indicates that this missense variant is not expected to disrupt POLG protein function with a negative predictive value of 95%. In summary, the available evidence is currently insufficient to determine the role of this variant in disease. Therefore, it has been classified as a Variant of Uncertain Significance.

NM_002693.3(POLG):c.1612G>A (p.Glu538Lys)

Gene: POLG (DNA polymerase gamma, catalytic subunit; minus strand). Cytogenetic location: 15q26.1.
Variant type: single nucleotide variant.
Coding change: c.1612G>A on transcript NM_002693.3 (MANE Select); coding-DNA position 1612, G replaced by A.
Protein change: p.Glu538Lys; replaces glutamic acid 538 with lysine.
Molecular consequence: missense variant.
Genome position (GRCh38, 1-based): chr15:89,326,712, C>T on the plus strand (G>A on the coding strand, the complement: POLG is on the minus strand). VCF-style: chr15-89326712-C-T. GRCh37 (hg19) VCF-style: chr15-89869943-C-T.
Other names: c.1612G>A, p.Glu538Lys (NM_001126131.2); short protein forms E538K.
Identifiers: ClinVar variation 2905923 (VCV002905923.5), dbSNP rs755552597, ClinGen allele CA393760628.